The following is an entry in ClinVar:

ClinVar aggregate classification (germline): Uncertain significance. Review status: criteria provided, multiple submitters, no conflicts (2 of 4 stars). 2 submissions from 2 submitters: Uncertain significance (2). Last evaluated 2023-01-10.

Conditions:
MCCC1-related disorder. Also called: MCCC1-related condition.
3-methylcrotonyl-CoA carboxylase 1 deficiency (MCC1D). Also called: MCCD TYPE 1; METHYLCROTONYLGLYCINURIA TYPE I; MCC 1 deficiency; 3 Alpha methylcrotonylglycinuria 1. Identifiers: Orphanet 6, MedGen CN028786, MONDO:0008861, OMIM 210200.

Allele frequency attached by ClinVar (database versions not stated): ExAC 0.00002; gnomAD exomes 0.00002; TOPMed 0.00005; gnomAD 0.00006.
gnomAD v4.1: 32 of 1,611,520 alleles (0.002%); highest among the groups gnomAD compares: African/African-American, 0.0094%; no homozygotes.

Submissions (2):

PreventionGenetics, part of Exact Sciences
Classification: Uncertain significance for MCCC1-related condition. Last evaluated: 2023-01-10. Review status: criteria provided, single submitter. Criteria: ACMG Guidelines, 2015. Collection method: clinical testing. Allele origin: germline.
Comment: The MCCC1 c.1643C>T variant is predicted to result in the amino acid substitution p.Ser548Leu. To our knowledge, this variant has not been reported in the literature. This variant is reported in 0.0080% of alleles in individuals of African descent in gnomAD. At this time, the clinical significance of this variant is uncertain due to the absence of conclusive functional and genetic evidence.

Labcorp Genetics (formerly Invitae), Labcorp
Classification: Uncertain significance for 3-methylcrotonyl-CoA carboxylase 1 deficiency. Last evaluated: 2021-08-31. Review status: criteria provided, single submitter. Criteria: Invitae Variant Classification Sherloc (09022015). Collection method: clinical testing. Allele origin: germline.
Comment: This sequence change replaces serine with leucine at codon 548 of the MCCC1 protein (p.Ser548Leu). The serine residue is moderately conserved and there is a large physicochemical difference between serine and leucine. This variant is present in population databases (rs754187797, ExAC 0.009%). This variant has not been reported in the literature in individuals affected with MCCC1-related conditions. Algorithms developed to predict the effect of missense changes on protein structure and function (SIFT, PolyPhen-2, Align-GVGD) all suggest that this variant is likely to be tolerated. In summary, the available evidence is currently insufficient to determine the role of this variant in disease. Therefore, it has been classified as a Variant of Uncertain Significance.

NM_020166.5(MCCC1):c.1643C>T (p.Ser548Leu)

Gene: MCCC1 (methylcrotonyl-CoA carboxylase subunit 1; minus strand). Cytogenetic location: 3q27.1.
Variant type: single nucleotide variant.
Coding change: c.1643C>T on transcript NM_020166.5 (MANE Select); coding-DNA position 1643, C replaced by T.
Protein change: p.Ser548Leu; replaces serine 548 with leucine.
Molecular consequence: missense variant. On other transcripts: non-coding transcript variant (2).
Genome position (GRCh38, 1-based): chr3:183,034,029, G>A on the plus strand (C>T on the coding strand, the complement: MCCC1 is on the minus strand). VCF-style: chr3-183034029-G-A. GRCh37 (hg19) VCF-style: chr3-182751817-G-A.
Other names: c.1643C>T (NM_020166.4); c.1292C>T, p.Ser431Leu (NM_001293273.2); c.1316C>T, p.Ser439Leu (NM_001363880.1); short protein forms S431L, S439L, S548L.
Identifiers: ClinVar variation 2053776 (VCV002053776.2), dbSNP rs754187797, ClinGen allele CA2718716.
Genomic context (GRCh38, chr3:183,034,029, plus strand): 5'-CTTTTAATGAAACATTACTTACTGTTTTTACCATCTTTAAGAGTCATGTTTCTGGTATAC[G>A]AGATATTCAGTCTTCTTCCACTGCTAGACGAAAATGGAGAGAATTGATCTAGAAAAAATT-3'
Protein context (NP_064551.3, residues 538-558): SSSSGRRLNI[Ser548Leu]YTRNMTLKDG